The following is an entry in ClinVar:

ClinVar aggregate classification (germline): Uncertain significance. Review status: criteria provided, multiple submitters, no conflicts (2 of 4 stars). 2 submissions from 2 submitters: Uncertain significance (2). Last evaluated 2025-07-29.

Conditions:
Hereditary cancer-predisposing syndrome. Also called: Tumor predisposition; Neoplastic Syndromes, Hereditary; Hereditary neoplastic syndrome; Hereditary Cancer Syndrome. Identifiers: Orphanet 140162, MedGen C0027672, MeSH D009386, MONDO:0015356.
EGFR-related lung cancer (EGFR). Identifiers: MedGen CN130014.

Allele frequency attached by ClinVar (database versions not stated): gnomAD exomes below 0.00001; TOPMed below 0.00001; ExAC 0.00001; gnomAD 0.00001; ESP Exome Variant Server 0.00008.
gnomAD v4.1: 2 of 1,614,058 alleles (0.00012%); highest among the groups gnomAD compares: African/African-American, 0.0013%; no homozygotes.

Submissions (2):

Ambry Genetics
Classification: Uncertain significance for Hereditary cancer-predisposing syndrome. Last evaluated: 2025-07-29. Review status: criteria provided, single submitter. Criteria: Ambry Variant Classification Scheme 2023. Collection method: clinical testing. Allele origin: germline.
Comment: The p.N1043S variant (also known as c.3128A>G), located in coding exon 26 of the EGFR gene, results from an A to G substitution at nucleotide position 3128. The asparagine at codon 1043 is replaced by serine, an amino acid with highly similar properties. This amino acid position is conserved. In addition, this alteration is predicted to be tolerated by in silico analysis. Based on the available evidence, the clinical significance of this variant remains unclear.

Labcorp Genetics (formerly Invitae), Labcorp
Classification: Uncertain significance for EGFR-related lung cancer. Last evaluated: 2023-08-16. Review status: criteria provided, single submitter. Criteria: Invitae Variant Classification Sherloc (09022015). Collection method: clinical testing. Allele origin: germline.
Comment: In summary, the available evidence is currently insufficient to determine the role of this variant in disease. Therefore, it has been classified as a Variant of Uncertain Significance. An algorithm developed to predict the effect of missense changes on protein structure and function (PolyPhen-2) suggests that this variant is likely to be tolerated. ClinVar contains an entry for this variant (Variation ID: 851549). This variant has not been reported in the literature in individuals affected with EGFR-related conditions. This variant is present in population databases (rs375035197, gnomAD 0.007%). This sequence change replaces asparagine, which is neutral and polar, with serine, which is neutral and polar, at codon 1043 of the EGFR protein (p.Asn1043Ser).

NM_005228.5(EGFR):c.3128A>G (p.Asn1043Ser)

Gene: EGFR (epidermal growth factor receptor; plus strand). Cytogenetic location: 7p11.2.
Variant type: single nucleotide variant.
Coding change: c.3128A>G on transcript NM_005228.5 (MANE Select); coding-DNA position 3128, A replaced by G.
Protein change: p.Asn1043Ser; replaces asparagine 1043 with serine.
Molecular consequence: missense variant.
Genome position (GRCh38, 1-based): chr7:55,201,748, A>G. VCF-style: chr7-55201748-A-G. GRCh37 (hg19) VCF-style: chr7-55269441-A-G.
Other names: c.2993A>G, p.Asn998Ser (NM_001346897.2, NM_001346899.2); c.3128A>G, p.Asn1043Ser (NM_001346898.2); c.2969A>G, p.Asn990Ser (NM_001346900.2); c.2327A>G, p.Asn776Ser (NM_001346941.2); short protein forms N998S, N1043S, N776S, N990S.
Identifiers: ClinVar variation 851549 (VCV000851549.10), dbSNP rs375035197, ClinGen allele CA4266282.